The following is an entry in ClinVar:

NM_182760.4(SUMF1):c.321G>T (p.Gln107His)

Gene: SUMF1 (sulfatase modifying factor 1; minus strand). Cytogenetic location: 3p26.1.
Variant type: single nucleotide variant.
Coding change: c.321G>T on transcript NM_182760.4 (MANE Select); coding-DNA position 321, G replaced by T.
Protein change: p.Gln107His; replaces glutamine 107 with histidine.
Molecular consequence: missense variant.
Genome position (GRCh38, 1-based): chr3:4,452,999, C>A on the plus strand (G>T on the coding strand, the complement: SUMF1 is on the minus strand). VCF-style: chr3-4452999-C-A. GRCh37 (hg19) VCF-style: chr3-4494683-C-A.
Other names: c.321G>T, p.Gln107His (NM_001164674.2, NM_001164675.2); short protein forms Q107H.
Identifiers: ClinVar variation 1439461 (VCV001439461.3), dbSNP rs199741767, ClinGen allele CA2230638.

ClinVar aggregate classification (germline): Uncertain significance (1 of 4 stars; one submission).

Conditions:
Multiple sulfatase deficiency (MSD). Also called: Mucosulfatidosis; Multiple Sulfatase Deficiency Disease; Sulfatidosis, Juvenile, Austin Type. Identifiers: Orphanet 585, MedGen C0268263, MONDO:0010088, OMIM 272200.

Allele frequency attached by ClinVar (database versions not stated): gnomAD 0.00003 and 0.00004; ExAC 0.00004; gnomAD exomes 0.00004; TOPMed 0.00005; 1000 Genomes Project 30x 0.00016; 1000 Genomes Project 0.00020.
gnomAD v4.1: 128 of 1,614,104 alleles (0.0079%); highest among the groups gnomAD compares: Non-Finnish European, 0.01%; no homozygotes.

Submission:

Labcorp Genetics (formerly Invitae), Labcorp
Classification: Uncertain significance for Multiple sulfatase deficiency. Last evaluated: 2022-07-05. Review status: criteria provided, single submitter. Criteria: Invitae Variant Classification Sherloc (09022015). Collection method: clinical testing. Allele origin: germline.
Comment: This sequence change replaces glutamine, which is neutral and polar, with histidine, which is basic and polar, at codon 107 of the SUMF1 protein (p.Gln107His). This variant is present in population databases (rs199741767, gnomAD 0.007%). This variant has not been reported in the literature in individuals affected with SUMF1-related conditions. ClinVar contains an entry for this variant (Variation ID: 1439461). Algorithms developed to predict the effect of missense changes on protein structure and function (SIFT, PolyPhen-2, Align-GVGD) all suggest that this variant is likely to be tolerated. In summary, the available evidence is currently insufficient to determine the role of this variant in disease. Therefore, it has been classified as a Variant of Uncertain Significance.